The following is an entry in ClinVar:

NM_000393.5(COL5A2):c.3364-17C>T

Gene: COL5A2 (collagen type V alpha 2 chain; minus strand). Cytogenetic location: 2q32.2.
Variant type: single nucleotide variant.
Coding change: c.3364-17C>T on transcript NM_000393.5 (MANE Select); 17 bases into the intron before coding-DNA position 3364, C replaced by T.
Molecular consequence: intron variant.
Genome position (GRCh38, 1-based): chr2:189,043,275, G>A on the plus strand (C>T on the coding strand, the complement: COL5A2 is on the minus strand). VCF-style: chr2-189043275-G-A. GRCh37 (hg19) VCF-style: chr2-189908001-G-A.
Other names: c.3364-17C>T (NM_000393.4).
Identifiers: ClinVar variation 136950 (VCV000136950.18), dbSNP rs201720941, ClinGen allele CA290388.

ClinVar aggregate classification (germline): Benign/Likely benign. Review status: criteria provided, multiple submitters, no conflicts (2 of 4 stars). 7 submissions from 7 submitters: Benign (4); Likely benign (3). Last evaluated 2026-01-27.

Conditions:
Ehlers-Danlos syndrome, classic type, 2 (EDSCL2). Also called: Ehlers-Danlos syndrome, type 2; Ehlers-Danlos syndrome type 2 (formerly); Ehlers-Danlos Syndrome, Classic Type, COL5A2-Related. Identifiers: Orphanet 287, Orphanet 90318, MedGen C0268336, MONDO:0019568, OMIM 130010.
Ehlers-Danlos syndrome, classic type, 1 (EDSCL1). Also called: Ehlers-Danlos syndrome, type 1; EHLERS-DANLOS SYNDROME, GRAVIS TYPE; EHLERS-DANLOS SYNDROME, SEVERE CLASSIC TYPE; Ehlers-Danlos Syndrome, Classic Type, COL5A1-Related; EDS I. Identifiers: MedGen C0268335, MONDO:0019567, OMIM 130000.
Connective tissue disorder. Also called: Connective tissue disease. Identifiers: MedGen C0009782, MONDO:0003900.

Allele frequency attached by ClinVar (database versions not stated): 1000 Genomes Project 0.00040; ESP Exome Variant Server 0.00054; gnomAD exomes 0.00056 and 0.00088; 1000 Genomes Project 30x 0.00062; gnomAD 0.00068 and 0.00070; ExAC 0.00079; TOPMed 0.00084.
gnomAD v4.1: 952 of 1,565,118 alleles (0.061%); highest among the groups gnomAD compares: Middle Eastern, 1.1%; 3 homozygotes.

Submissions (7):

Labcorp Genetics (formerly Invitae), Labcorp
Classification: Benign for Ehlers-Danlos syndrome, classic type, 1. Last evaluated: 2026-01-27. Review status: criteria provided, single submitter. Criteria: Invitae Variant Classification Sherloc (09022015). Collection method: clinical testing. Allele origin: germline.

Blueprint Genetics
Classification: Likely benign. Last evaluated: 2024-11-04. Review status: criteria provided, single submitter. Criteria: ACMG Guidelines, 2015. Collection method: clinical testing. Allele origin: germline.

Women's Health and Genetics/Laboratory Corporation of America, LabCorp
Classification: Benign. Last evaluated: 2023-07-30. Review status: criteria provided, single submitter. Criteria: LabCorp Variant Classification Summary - May 2015. Collection method: clinical testing. Allele origin: germline.

ARUP Laboratories, Molecular Genetics and Genomics, ARUP Laboratories
Classification: Benign for Ehlers-Danlos syndrome, classic type, 2. Last evaluated: 2022-02-03. Review status: criteria provided, single submitter. Criteria: ARUP Molecular Germline Variant Investigation Process 2021. Collection method: clinical testing. Allele origin: germline.

Center for Human Genetics, Inc
Classification: Likely benign for Connective tissue disorder. Last evaluated: 2018-06-01. Review status: criteria provided, single submitter. Criteria: ACMG Guidelines, 2015. Collection method: clinical testing. Allele origin: germline. Affected: yes.

GeneDx
Classification: Benign. Last evaluated: 2014-05-12. Review status: criteria provided, single submitter. Criteria: GeneDx Variant Classification (06012015). Collection method: clinical testing. Allele origin: germline. Affected: yes.
Comment: This variant is considered likely benign or benign based on one or more of the following criteria: it is a conservative change, it occurs at a poorly conserved position in the protein, it is predicted to be benign by multiple in silico algorithms, and/or has population frequency not consistent with disease.

Breakthrough Genomics
Classification: Likely benign. Review status: criteria provided, single submitter. Criteria: ACMG Guidelines, 2015. Collection method: not provided. Allele origin: germline. Inheritance: Autosomal dominant inheritance. Affected: yes.